The following is an entry in ClinVar:

NM_001378454.1(ALMS1):c.5402T>C (p.Val1801Ala)

Gene: ALMS1 (ALMS1 centrosome and basal body associated protein; plus strand). Cytogenetic location: 2p13.1.
Variant type: single nucleotide variant.
Coding change: c.5402T>C on transcript NM_001378454.1 (MANE Select); coding-DNA position 5402, T replaced by C.
Protein change: p.Val1801Ala; replaces valine 1801 with alanine.
Molecular consequence: missense variant.
Genome position (GRCh38, 1-based): chr2:73,451,929, T>C. VCF-style: chr2-73451929-T-C. GRCh37 (hg19) VCF-style: chr2-73679056-T-C.
Other names: c.5405T>C, p.Val1802Ala (NM_015120.4); short protein forms V1801A, V1802A.
Identifiers: ClinVar variation 1963612 (VCV001963612.5), dbSNP rs1320916624, ClinGen allele CA347281972.
Genomic context (GRCh38, chr2:73,451,929, plus strand): 5'-AGGCTCTGAAAGTTTCAAATGTTCCTGGACCAGCTGACCAGAAGACTGGGGTATCAACAG[T>C]AACCTCTACTTCCTACTCACACAGAGAGAAGCCCATTGTTTCCTACCAGCGAGAGTTGCC-3'
Protein context (NP_001365383.1, residues 1791-1811): PADQKTGVST[Val1801Ala]TSTSYSHREK

ClinVar aggregate classification (germline): Uncertain significance (1 of 4 stars; one submission).

Conditions:
Alstrom syndrome (ALMS). Identifiers: Orphanet 64, MedGen C0268425, MONDO:0008763, OMIM 203800.

Allele frequency attached by ClinVar (database versions not stated): TOPMed below 0.00001.

Submission:

Labcorp Genetics (formerly Invitae), Labcorp
Classification: Uncertain significance for Alstrom syndrome. Last evaluated: 2021-12-13. Review status: criteria provided, single submitter. Criteria: Invitae Variant Classification Sherloc (09022015). Collection method: clinical testing. Allele origin: germline.
Comment: In summary, the available evidence is currently insufficient to determine the role of this variant in disease. Therefore, it has been classified as a Variant of Uncertain Significance. Experimental studies and prediction algorithms are not available or were not evaluated, and the functional significance of this variant is currently unknown. This variant has not been reported in the literature in individuals affected with ALMS1-related conditions. This variant is not present in population databases (gnomAD no frequency). This sequence change replaces valine, which is neutral and non-polar, with alanine, which is neutral and non-polar, at codon 1802 of the ALMS1 protein (p.Val1802Ala).